The following is an entry in ClinVar:

NM_016169.4(SUFU):c.254C>G (p.Pro85Arg)

Gene: SUFU (SUFU negative regulator of hedgehog signaling; plus strand). Cytogenetic location: 10q24.32.
Variant type: single nucleotide variant.
Coding change: c.254C>G on transcript NM_016169.4 (MANE Select); coding-DNA position 254, C replaced by G.
Protein change: p.Pro85Arg; replaces proline 85 with arginine.
Molecular consequence: missense variant.
Genome position (GRCh38, 1-based): chr10:102,509,240, C>G. VCF-style: chr10-102509240-C-G. GRCh37 (hg19) VCF-style: chr10-104268997-C-G.
Other names: c.254C>G, p.Pro85Arg (NM_001178133.2); short protein forms P85R.
Identifiers: ClinVar variation 2586920 (VCV002586920.2), dbSNP rs777936677, ClinGen allele CA377888741.

ClinVar aggregate classification (germline): Uncertain significance (1 of 4 stars; one submission).

Conditions:
Hereditary cancer-predisposing syndrome. Also called: Hereditary neoplastic syndrome; Tumor predisposition; Hereditary Cancer Syndrome; Neoplastic Syndromes, Hereditary. Identifiers: Orphanet 140162, MedGen C0027672, MeSH D009386, MONDO:0015356.

Submission:

Ambry Genetics
Classification: Uncertain significance for Hereditary cancer-predisposing syndrome. Last evaluated: 2023-06-21. Review status: criteria provided, single submitter. Criteria: Ambry Variant Classification Scheme 2023. Collection method: clinical testing. Allele origin: germline.
Comment: The p.P85R variant (also known as c.254C>G), located in coding exon 2 of the SUFU gene, results from a C to G substitution at nucleotide position 254. The proline at codon 85 is replaced by arginine, an amino acid with dissimilar properties. This amino acid position is conserved. In addition, the in silico prediction for this alteration is inconclusive. Since supporting evidence is limited at this time, the clinical significance of this alteration remains unclear.